The following is an entry in ClinVar:

NM_020911.2(PLXNA4):c.248C>T (p.Thr83Met)

Gene: PLXNA4 (plexin A4; minus strand). Cytogenetic location: 7q32.3.
Variant type: single nucleotide variant.
Coding change: c.248C>T on transcript NM_020911.2 (MANE Select); coding-DNA position 248, C replaced by T.
Protein change: p.Thr83Met; replaces threonine 83 with methionine.
Molecular consequence: missense variant.
Genome position (GRCh38, 1-based): chr7:132,508,446, G>A on the plus strand (C>T on the coding strand, the complement: PLXNA4 is on the minus strand). VCF-style: chr7-132508446-G-A. GRCh37 (hg19) VCF-style: chr7-132193205-G-A.
Other names: c.248C>T, p.Thr83Met (NM_001105543.2, NM_001393897.1, NM_181775.4); short protein forms T83M.
Identifiers: ClinVar variation 2208103 (VCV002208103.5), dbSNP rs199571283, ClinGen allele CA4490526.
Genomic context (GRCh38, chr7:132,508,446, plus strand): 5'-GTCTGGACGATGCGGGGTGGGTAACACTTGGGGTTGTCCTCGTCCGGCCCTGTCTCATGC[G>A]TCACCAAGACCTTCAGGTCGCTGGAGAGCTTGTAAATCCGATTGACGGCCCCCAAGTAAA-3'
Protein context (NP_065962.1, residues 73-93): KLSSDLKVLV[Thr83Met]HETGPDEDNP

ClinVar aggregate classification (germline): Uncertain significance. Review status: criteria provided, multiple submitters, no conflicts (2 of 4 stars). 2 submissions from 2 submitters: Uncertain significance (2). Last evaluated 2025-08-26.

Conditions:
PLXNA4-related disorder. Also called: PLXNA4-related condition.

Allele frequency attached by ClinVar (database versions not stated): TOPMed 0.00002; gnomAD exomes 0.00009; gnomAD 0.00010; ExAC 0.00014; 1000 Genomes Project 30x 0.00016.
gnomAD v4.1: 162 of 1,614,192 alleles (0.01%); highest among the groups gnomAD compares: South Asian, 0.013%; no homozygotes.

Submissions (2):

PreventionGenetics, part of Exact Sciences
Classification: Uncertain significance for PLXNA4-related condition. Last evaluated: 2025-08-26. Review status: criteria provided, single submitter. Criteria: ACMG Guidelines, 2015. Collection method: clinical testing. Allele origin: germline.
Comment: The PLXNA4 c.248C>T variant is predicted to result in the amino acid substitution p.Thr83Met. To our knowledge, this variant has not been reported in the literature. This variant is reported in 0.096% of alleles in individuals of European (Finnish) descent in gnomAD which is likely too common to be a primary cause of disease. Although we suspect that this variant may be benign, at this time, the clinical significance of this variant is uncertain due to the absence of conclusive functional and genetic evidence.

Ambry Genetics
Classification: Uncertain significance. Last evaluated: 2022-05-01. Review status: criteria provided, single submitter. Criteria: Ambry Variant Classification Scheme 2023. Collection method: clinical testing. Allele origin: germline.